The following is an entry in ClinVar:

ClinVar aggregate classification (germline): Likely benign. Review status: criteria provided, multiple submitters, no conflicts (2 of 4 stars). 4 submissions from 3 submitters: Likely benign (4). Last evaluated 2024-09-02.

Conditions:
Branchiootic syndrome 1 (BOS1). Also called: BO SYNDROME 1; BRANCHIOOTIC DYSPLASIA. Identifiers: MedGen C1865143, MONDO:0011258, OMIM 602588.
Melnick-Fraser syndrome (BOR). Also called: Branchiootorenal syndrome; Branchio-oto-renal syndrome; Branchiootorenal Syndrome (BORS). Identifiers: Orphanet 107, MedGen C0265234, MONDO:0007029.
Otofaciocervical syndrome 1 (OTFCS). Identifiers: MedGen C3714941, MONDO:0024532, OMIM 166780.

Allele frequency attached by ClinVar (database versions not stated): ExAC 0.00007; ESP Exome Variant Server 0.00008; gnomAD exomes 0.00008 and 0.00012; TOPMed 0.00008; gnomAD 0.00013 and 0.00014.
gnomAD v4.1: 172 of 1,320,690 alleles (0.013%); highest among the groups gnomAD compares: Non-Finnish European, 0.017%; no homozygotes.

Submissions (4):

Blueprint Genetics
Classification: Likely benign. Last evaluated: 2024-09-02. Review status: criteria provided, single submitter. Criteria: ACMG Guidelines, 2015. Collection method: clinical testing. Allele origin: germline.

Labcorp Genetics (formerly Invitae), Labcorp
Classification: Likely benign for Melnick-Fraser syndrome. Last evaluated: 2023-10-22. Review status: criteria provided, single submitter. Criteria: Invitae Variant Classification Sherloc (09022015). Collection method: clinical testing. Allele origin: germline.

Illumina Laboratory Services, Illumina
Classification: Likely benign for Branchiootic syndrome. Last evaluated: 2018-01-13. Review status: criteria provided, single submitter. Criteria: ICSL Variant Classification Criteria 13 December 2019. Collection method: clinical testing. Allele origin: germline.
Comment: This variant was observed in the ICSL laboratory as part of a predisposition screen in an ostensibly healthy population. It had not been previously curated by ICSL or reported in the Human Gene Mutation Database (HGMD: prior to June 1st, 2018), and was therefore a candidate for classification through an automated scoring system. Utilizing variant allele frequency, disease prevalence and penetrance estimates, and inheritance mode, an automated score was calculated to assess if this variant is too frequent to cause the disease. Based on the score and internal cut-off values, a variant classified as likely benign is not then subjected to further curation. The score for this variant resulted in a classification of likely benign for this disease.

Illumina Laboratory Services, Illumina
Classification: Likely benign for Otofaciocervical syndrome 1. Last evaluated: 2018-01-13. Review status: criteria provided, single submitter. Criteria: ICSL Variant Classification Criteria 13 December 2019. Collection method: clinical testing. Allele origin: germline.
Comment: the same text as in the submission from Illumina Laboratory Services, Illumina above.

NM_000503.6(EYA1):c.557-12A>G

Gene: EYA1 (EYA transcriptional coactivator and phosphatase 1; minus strand). Cytogenetic location: 8q13.3.
Variant type: single nucleotide variant.
Coding change: c.557-12A>G on transcript NM_000503.6 (MANE Select); 12 bases into the intron before coding-DNA position 557, A replaced by G.
Molecular consequence: intron variant.
Genome position (GRCh38, 1-based): chr8:71,299,732, T>C on the plus strand (A>G on the coding strand, the complement: EYA1 is on the minus strand). VCF-style: chr8-71299732-T-C. GRCh37 (hg19) VCF-style: chr8-72211967-T-C.
Other names: c.626-12A>G (NM_001370336.1); c.644-12A>G (NM_001370333.1); c.557-12A>G (NM_001370335.1, NM_001370334.1, NM_172058.4); c.629-12A>G (NM_172059.5); c.191-12A>G (NM_001288575.2); c.539-12A>G (NM_001288574.2).
Identifiers: ClinVar variation 363659 (VCV000363659.12), dbSNP rs373445545, ClinGen allele CA4779723.